The following is an entry in ClinVar:

ClinVar aggregate classification (germline): Uncertain significance (1 of 4 stars; one submission).

Conditions:
Developmental and epileptic encephalopathy, 8 (DEE8). Also called: HYPEREKPLEXIA AND EPILEPSY. Identifiers: Orphanet 163985, Orphanet 2076, MedGen C1845102, MONDO:0010375, OMIM 300607.

Allele frequency attached by ClinVar (database versions not stated): TOPMed below 0.00001; ExAC 0.00001; gnomAD exomes 0.00001.
gnomAD v4.1: 2 of 1,211,176 alleles (0.00017%); highest among the groups gnomAD compares: Non-Finnish European, 0.00022%; no homozygotes.

Submission:

Labcorp Genetics (formerly Invitae), Labcorp
Classification: Uncertain significance for Developmental and epileptic encephalopathy, 8. Last evaluated: 2025-08-26. Review status: criteria provided, single submitter. Criteria: Invitae Variant Classification Sherloc (09022015). Collection method: clinical testing. Allele origin: germline.
Comment: This sequence change replaces arginine, which is basic and polar, with glutamine, which is neutral and polar, at codon 25 of the ARHGEF9 protein (p.Arg25Gln). This variant is present in population databases (rs782244025, gnomAD 0.006%). This variant has not been reported in the literature in individuals affected with ARHGEF9-related conditions. ClinVar contains an entry for this variant (Variation ID: 1016357). Invitae Evidence Modeling of protein sequence and biophysical properties (such as structural, functional, and spatial information, amino acid conservation, physicochemical variation, residue mobility, and thermodynamic stability) indicates that this missense variant is not expected to disrupt ARHGEF9 protein function with a negative predictive value of 95%. In summary, the available evidence is currently insufficient to determine the role of this variant in disease. Therefore, it has been classified as a Variant of Uncertain Significance.

NM_001353921.2(ARHGEF9):c.95G>A (p.Arg32Gln)

Gene: ARHGEF9 (Cdc42 guanine nucleotide exchange factor 9; minus strand). Cytogenetic location: Xq11.1.
Variant type: single nucleotide variant.
Coding change: c.95G>A on transcript NM_001353921.2 (MANE Select); coding-DNA position 95, G replaced by A.
Protein change: p.Arg32Gln; replaces arginine 32 with glutamine.
Molecular consequence: missense variant. On other transcripts: 5 prime UTR variant (2), intron variant (6).
Genome position (GRCh38, 1-based): chrX:63,724,647, C>T on the plus strand (G>A on the coding strand, the complement: ARHGEF9 is on the minus strand). VCF-style: chrX-63724647-C-T. GRCh37 (hg19) VCF-style: chrX-62944527-C-T.
Other names: c.11G>A, p.Arg4Gln (NM_001369043.1, NM_001369044.1, NM_001330495.2 and 8 more transcripts); c.-609G>A (NM_001369045.1); c.74G>A, p.Arg25Gln (NM_015185.3, NM_001353928.2, NM_001369030.1 and 2 more transcripts); c.31-18198G>A (NM_001173479.2); c.10-18198G>A (NM_001369040.1, NM_001369039.1, NM_001353926.2 and 1 more transcripts); c.-117-18198G>A (NM_001173480.2); c.95G>A, p.Arg32Gln (NM_001353922.2); c.113G>A, p.Arg38Gln (NM_001353923.1); and 1 more; short protein forms R25Q, R32Q, R38Q, R4Q.
Identifiers: ClinVar variation 1016357 (VCV001016357.7), dbSNP rs782244025, ClinGen allele CA10431995.
Genomic context (GRCh38, chrX:63,724,647, plus strand): 5'-CAATCCTTGTTGGAAGCATCCAAGACTTTGATGACGTCGCCAGCTTTAAATGCCAACTCC[C>T]GGTTGGCCATGGTGACGTGATCCCATACTGCCTCAGCACTAACGATGGAATCTCCAGTGA-3'
Protein context (NP_001340850.1, residues 22-42): AVWDHVTMAN[Arg32Gln]ELAFKAGDVI